The following is an entry in ClinVar:

ClinVar aggregate classification (germline): Conflicting classifications of pathogenicity. Review status: criteria provided, conflicting classifications (1 of 4 stars). 8 submissions from 6 submitters: Uncertain significance (7); Likely benign (1). Last evaluated 2026-10-01.

Conditions:
Rhabdoid tumor predisposition syndrome 1 (RTPS1). Also called: Familial Posterior Fossa Brain Tumor of Infancy. Identifiers: Orphanet 231108, Orphanet 69077, MedGen C1836327, MONDO:0012252, OMIM 609322.
Intellectual disability, autosomal dominant 15 (CSS3). Also called: COFFIN-SIRIS SYNDROME 3. Identifiers: Orphanet 1465, MedGen C3553248, MONDO:0013820, OMIM 614608.
SMARCB1-related schwannomatosis. Also called: Schwannomatosis 1; SWNTS1. Identifiers: Orphanet 93921, MedGen C4048809, MONDO:0024517, OMIM 162091. Disease mechanism: loss of function.
Rhabdoid tumor predisposition syndrome 2 (RTPS2). Identifiers: Orphanet 231108, Orphanet 69077, MedGen C2750074, MONDO:0013224, OMIM 613325.
Hereditary cancer-predisposing syndrome. Also called: Tumor predisposition; Neoplastic Syndromes, Hereditary; Hereditary neoplastic syndrome; Hereditary Cancer Syndrome. Identifiers: Orphanet 140162, MedGen C0027672, MeSH D009386, MONDO:0015356.

Allele frequency attached by ClinVar (database versions not stated): ExAC 0.00001; TOPMed 0.00001; gnomAD exomes 0.00002.
gnomAD v4.1: 25 of 1,614,148 alleles (0.0015%); highest among the groups gnomAD compares: East Asian, 0.0045%; 1 homozygote.

Submissions (8):

St. Jude Molecular Pathology, St. Jude Children's Research Hospital
Classification: Uncertain significance for Rhabdoid tumor predisposition syndrome 1. Last evaluated: 2026-10-01. Review status: criteria provided, single submitter. Criteria: St. Jude Assertion Criteria 2020. Collection method: clinical testing. Allele origin: germline.
Comment: The SMARCB1 c.607G>A p.(Ala203Thr) missense change has a maximum subpopulation frequency of 0.0035% in gnomAD v2.1.1. The in silico tool REVEL predicts a benign effect on protein fu nction, but to our knowledge this prediction has not been confirmed by functional studies. To our knowledge, this variant has not been reported in individuals with SMARCB1-related disease. In summary, the evidence currently available is insufficient to d etermine the clinical significance of this variant. It has therefore been classified as of uncertain significance (VUS-Low).

Labcorp Genetics (formerly Invitae), Labcorp
Classification: Uncertain significance. Last evaluated: 2026-01-27. Review status: criteria provided, single submitter. Criteria: Invitae Variant Classification Sherloc (09022015). Collection method: clinical testing. Allele origin: germline.
Comment: This sequence change replaces alanine, which is neutral and non-polar, with threonine, which is neutral and polar, at codon 203 of the SMARCB1 protein (p.Ala203Thr). This variant is present in population databases (rs762962010, gnomAD 0.004%). This variant has not been reported in the literature in individuals affected with SMARCB1-related conditions. ClinVar contains an entry for this variant (Variation ID: 340912). Invitae Evidence Modeling of protein sequence and biophysical properties (such as structural, functional, and spatial information, amino acid conservation, physicochemical variation, residue mobility, and thermodynamic stability) indicates that this missense variant is not expected to disrupt SMARCB1 protein function with a negative predictive value of 80%. In summary, the available evidence is currently insufficient to determine the role of this variant in disease. Therefore, it has been classified as a Variant of Uncertain Significance.

Baylor Genetics
Classification: Uncertain significance for Rhabdoid tumor predisposition syndrome 1. Last evaluated: 2024-03-27. Review status: criteria provided, single submitter. Criteria: ACMG Guidelines, 2015. Collection method: clinical testing. Allele origin: unknown.

Fulgent Genetics
Classification: Uncertain significance for SMARCB1-related schwannomatosis; Rhabdoid tumor predisposition syndrome 1; Intellectual disability, autosomal dominant 15. Last evaluated: 2024-02-13. Review status: criteria provided, single submitter. Criteria: ACMG Guidelines, 2015. Collection method: clinical testing. Allele origin: germline.

St. Jude Molecular Pathology, St. Jude Children's Research Hospital
Classification: Uncertain significance for Rhabdoid tumor predisposition syndrome 2. Last evaluated: 2021-12-08. Review status: criteria provided, single submitter. Criteria: St. Jude Assertion Criteria 2020. Collection method: clinical testing. Allele origin: germline.
Comment: The SMARCB1 c.607G>A (p.Ala203Thr) missense change has a maximum subpopulation frequency of 0.0035% in gnomAD v2.1.1. Four of six in silico tools predict a benign effect of this variant on protein function (BP4), but to our knowledge these predictions have not been confirmed by functional assays. This variant occurs in a gene where missense variants are more likely to be damaging based on methods described by Lek et al. (PP2; PMID: 27535533). To our knowledge, this variant has not been reported in individuals with rhabdoid tumor predisposition syndrome. In summary, this variant meets criteria to be classified as of uncertain significance based on the ACMG/AMP criteria: BP4, PP2.

Ambry Genetics
Classification: Likely benign for Hereditary cancer-predisposing syndrome. Last evaluated: 2021-01-06. Review status: criteria provided, single submitter. Criteria: Ambry Variant Classification Scheme 2023. Collection method: clinical testing. Allele origin: germline.

Illumina Laboratory Services, Illumina
Classification: Uncertain significance for SMARCB1-related schwannomatosis. Last evaluated: 2018-01-12. Review status: criteria provided, single submitter. Criteria: ICSL Variant Classification Criteria 13 December 2019. Collection method: clinical testing. Allele origin: germline.

Illumina Laboratory Services, Illumina
Classification: Uncertain significance for Rhabdoid tumor predisposition syndrome 1. Last evaluated: 2018-01-12. Review status: criteria provided, single submitter. Criteria: ICSL Variant Classification Criteria 13 December 2019. Collection method: clinical testing. Allele origin: germline.

NM_003073.5(SMARCB1):c.607G>A (p.Ala203Thr)

Gene: SMARCB1 (SWI/SNF related BAF chromatin remodeling complex subunit B1; plus strand). Cytogenetic location: 22q11.23.
Variant type: single nucleotide variant.
Coding change: c.607G>A on transcript NM_003073.5 (MANE Select); coding-DNA position 607, G replaced by A.
Protein change: p.Ala203Thr; replaces alanine 203 with threonine.
Molecular consequence: missense variant.
Genome position (GRCh38, 1-based): chr22:23,803,401, G>A. VCF-style: chr22-23803401-G-A. GRCh37 (hg19) VCF-style: chr22-24145588-G-A.
Other names: c.580G>A, p.Ala194Thr (NM_001007468.3); c.634G>A, p.Ala212Thr (NM_001317946.2); c.661G>A, p.Ala221Thr (NM_001362877.2); c.607G>A (LRG_520t1); short protein forms A203T, A194T, A212T, A221T.
Identifiers: ClinVar variation 340912 (VCV000340912.26), dbSNP rs762962010, ClinGen allele CA10145992.